The following is an entry in ClinVar:

NM_001004334.4(GPR179):c.3914T>C (p.Met1305Thr)

Gene: GPR179 (G protein-coupled receptor 179; minus strand). Cytogenetic location: 17q12.
Variant type: single nucleotide variant.
Coding change: c.3914T>C on transcript NM_001004334.4 (MANE Select); coding-DNA position 3914, T replaced by C.
Protein change: p.Met1305Thr; replaces methionine 1305 with threonine.
Molecular consequence: missense variant.
Genome position (GRCh38, 1-based): chr17:38,329,655, A>G on the plus strand (T>C on the coding strand, the complement: GPR179 is on the minus strand). VCF-style: chr17-38329655-A-G. GRCh37 (hg19) VCF-style: chr17-36485538-A-G.
Other names: c.3914T>C (NM_001004334.2); short protein forms M1305T.
Identifiers: ClinVar variation 1501038 (VCV001501038.6), dbSNP rs201583620, ClinGen allele CA290104611.
Genomic context (GRCh38, chr17:38,329,655, plus strand): 5'-CTCTCCCAGGGACACACTGCTTCCTGCTCCCTCACCAGCCTCTCTGGCTTTTTCCGCATC[A>G]TGGGAACCACATCTATGGGCTCTGATTTTCCCCGGGCCTCCCCTCTCTTTTTTTGGGAGT-3'
Protein context (NP_001004334.3, residues 1295-1315): GKSEPIDVVP[Met1305Thr]MRKKPERLVR

ClinVar aggregate classification (germline): Conflicting classifications of pathogenicity. Review status: criteria provided, conflicting classifications (1 of 4 stars). 2 submissions from 2 submitters: Uncertain significance (1); Likely benign (1). Last evaluated 2024-11-13.

Conditions:
Inborn genetic diseases. Identifiers: MedGen C0950123, MeSH D030342.

Allele frequency attached by ClinVar (database versions not stated): gnomAD 0.00006; 1000 Genomes Project 30x 0.00016; TOPMed 0.00006; gnomAD exomes 0.00002; ExAC 0.00003; ESP Exome Variant Server 0.00008; 1000 Genomes Project 0.00020.

Submissions (2):

Ambry Genetics
Classification: Likely benign for Inborn genetic diseases. Last evaluated: 2024-11-13. Review status: criteria provided, single submitter. Criteria: Ambry Variant Classification Scheme 2023. Collection method: clinical testing. Allele origin: germline.

Labcorp Genetics (formerly Invitae), Labcorp
Classification: Uncertain significance. Last evaluated: 2022-02-10. Review status: criteria provided, single submitter. Criteria: Invitae Variant Classification Sherloc (09022015). Collection method: clinical testing. Allele origin: germline.
Comment: This sequence change replaces methionine, which is neutral and non-polar, with threonine, which is neutral and polar, at codon 1305 of the GPR179 protein (p.Met1305Thr). This variant is present in population databases (rs201583620, gnomAD 0.005%). This variant has not been reported in the literature in individuals affected with GPR179-related conditions. Algorithms developed to predict the effect of missense changes on protein structure and function output the following: SIFT: "Tolerated"; PolyPhen-2: "Benign"; Align-GVGD: "Class C0". The threonine amino acid residue is found in multiple mammalian species, which suggests that this missense change does not adversely affect protein function. In summary, the available evidence is currently insufficient to determine the role of this variant in disease. Therefore, it has been classified as a Variant of Uncertain Significance.